The following is an entry in ClinVar:

ClinVar aggregate classification (germline): Uncertain significance (1 of 4 stars; one submission).

Conditions:
Hereditary cancer-predisposing syndrome. Also called: Hereditary neoplastic syndrome; Neoplastic Syndromes, Hereditary; Tumor predisposition; Hereditary Cancer Syndrome. Identifiers: Orphanet 140162, MedGen C0027672, MeSH D009386, MONDO:0015356.

Submission:

Ambry Genetics
Classification: Uncertain significance for Hereditary cancer-predisposing syndrome. Last evaluated: 2025-06-29. Review status: criteria provided, single submitter. Criteria: Ambry Variant Classification Scheme 2023. Collection method: clinical testing. Allele origin: germline.
Comment: The p.A1402D variant (also known as c.4205C>A), located in coding exon 15 of the APC gene, results from a C to A substitution at nucleotide position 4205. The alanine at codon 1402 is replaced by aspartic acid, an amino acid with dissimilar properties. This amino acid position is conserved. In addition, in silico predictors for this gene do not accurately predict pathogenicity. Based on the available evidence, the clinical significance of this variant remains unclear.

NM_000038.6(APC):c.4205C>A (p.Ala1402Asp)

Gene: APC (APC regulator of Wnt signaling pathway; plus strand). Cytogenetic location: 5q22.2.
Variant type: single nucleotide variant.
Coding change: c.4205C>A on transcript NM_000038.6 (MANE Select); coding-DNA position 4205, C replaced by A.
Protein change: p.Ala1402Asp; replaces alanine 1402 with aspartic acid.
Molecular consequence: missense variant. On other transcripts: non-coding transcript variant (2).
Genome position (GRCh38, 1-based): chr5:112,839,799, C>A. VCF-style: chr5-112839799-C-A. GRCh37 (hg19) VCF-style: chr5-112175496-C-A.
Other names: c.3932C>A, p.Ala1311Asp (NM_001354902.2); c.3902C>A, p.Ala1301Asp (NM_001354903.2, NM_001407458.1, NM_001407459.1 and 1 more transcripts); c.3827C>A, p.Ala1276Asp (NM_001354904.2); c.3725C>A, p.Ala1242Asp (NM_001354905.2); c.3356C>A, p.Ala1119Asp (NM_001354906.2, NM_001407470.1); c.4289C>A, p.Ala1430Asp (NM_001407446.1); c.4259C>A, p.Ala1420Asp (NM_001407447.1, NM_001407448.1, NM_001407449.1 and 1 more transcripts); c.4205C>A, p.Ala1402Asp (NM_001407450.1, NM_001127510.3, NM_001354895.2); and 11 more; short protein forms A1119D, A1276D, A1319D, A1273D, A1311D, A1343D, A1402D, A1301D.
Identifiers: ClinVar variation 4119201 (VCV004119201.1).
Genomic context (GRCh38, chr5:112,839,799, plus strand): 5'-TCATGTTTAGCAGATGTACTTCTGTCAGTTCACTTGATAGTTTTGAGAGTCGTTCGATTG[C>A]CAGCTCCGTTCAGAGTGAACCATGCAGTGGAATGGTAAGTGGCATTATAAGCCCCAGTGA-3'
Protein context (NP_000029.2, residues 1392-1412): SLDSFESRSI[Ala1402Asp]SSVQSEPCSG